The following is an entry in ClinVar:

ClinVar aggregate classification (germline): Uncertain significance (1 of 4 stars; one submission).

Submission:

Labcorp Genetics (formerly Invitae), Labcorp
Classification: Uncertain significance. Last evaluated: 2023-06-28. Review status: criteria provided, single submitter. Criteria: Invitae Variant Classification Sherloc (09022015). Collection method: clinical testing. Allele origin: germline.
Comment: In summary, the available evidence is currently insufficient to determine the role of this variant in disease. Therefore, it has been classified as a Variant of Uncertain Significance. Experimental studies and prediction algorithms are not available or were not evaluated, and the functional significance of this variant is currently unknown. This variant has not been reported in the literature in individuals affected with CFHR5-related conditions. This variant is a gross deletion of the genomic region encompassing exon(s) 1-2 of the CFHR5 gene, which includes the initiator codon. This deletion extends beyond the assayed region for this gene and therefore may encompass additional genes. It is expected to result in an absent or disrupted protein product. However, the current clinical and genetic evidence is not sufficient to establish whether loss-of-function variants in CFHR5 cause disease.

NC_000001.10:g.(?_196946795)_(196952229_?)del

Gene: CFHR5 (complement factor H related 5; plus strand). Cytogenetic location: 1q31.3.
Variant type: Deletion.
Identifiers: ClinVar variation 2426945 (VCV002426945.5).